The following is an entry in ClinVar:

ClinVar aggregate classification (germline): Uncertain significance (1 of 4 stars; one submission).

Allele frequency attached by ClinVar (database versions not stated): 1000 Genomes Project 30x 0.00016; 1000 Genomes Project 0.00020.
gnomAD v4.1: 11 of 1,613,938 alleles (0.00068%); highest among the groups gnomAD compares: East Asian, 0.025%; no homozygotes.

Submission:

GeneDx
Classification: Uncertain significance. Last evaluated: 2020-08-18. Review status: criteria provided, single submitter. Criteria: GeneDx Variant Classification Process June 2021. Collection method: clinical testing. Allele origin: germline. Affected: yes.
Comment: In silico analysis supports that this missense variant has a deleterious effect on protein structure/function; Has not been previously published as pathogenic or benign to our knowledge

NM_017837.4(PIGV):c.1155C>A (p.His385Gln)

Gene: PIGV (phosphatidylinositol glycan anchor biosynthesis class V; plus strand). Cytogenetic location: 1p36.11.
Variant type: single nucleotide variant.
Coding change: c.1155C>A on transcript NM_017837.4 (MANE Select); coding-DNA position 1155, C replaced by A.
Protein change: p.His385Gln; replaces histidine 385 with glutamine.
Molecular consequence: missense variant. On other transcripts: non-coding transcript variant (1), intron variant (1).
Genome position (GRCh38, 1-based): chr1:26,795,189, C>A. VCF-style: chr1-26795189-C-A. GRCh37 (hg19) VCF-style: chr1-27121680-C-A.
Other names: c.1155C>A, p.His385Gln (NM_001202554.2, NM_001374478.1, NM_001374480.1 and 2 more transcripts); c.774C>A, p.His258Gln (NM_001374483.1); c.528C>A, p.His176Gln (NM_001374484.1, NM_001374485.1); c.79-2374C>A (NM_001374486.1); short protein forms H176Q, H258Q, H385Q.
Identifiers: ClinVar variation 1207715 (VCV001207715.3), dbSNP rs200817594, ClinGen allele CA708174.